The following is an entry in ClinVar:

NM_000215.4(JAK3):c.1529A>G (p.Gln510Arg)

Gene: JAK3 (Janus kinase 3; minus strand). Cytogenetic location: 19p13.11.
Variant type: single nucleotide variant.
Coding change: c.1529A>G on transcript NM_000215.4 (MANE Select); coding-DNA position 1529, A replaced by G.
Protein change: p.Gln510Arg; replaces glutamine 510 with arginine.
Molecular consequence: missense variant.
Genome position (GRCh38, 1-based): chr19:17,838,303, T>C on the plus strand (A>G on the coding strand, the complement: JAK3 is on the minus strand). VCF-style: chr19-17838303-T-C. GRCh37 (hg19) VCF-style: chr19-17949112-T-C.
Other names: short protein forms Q510R.
Identifiers: ClinVar variation 1382356 (VCV001382356.5), dbSNP rs762398167, ClinGen allele CA9301868.

ClinVar aggregate classification (germline): Uncertain significance (1 of 4 stars; one submission).

Conditions:
T-B+ severe combined immunodeficiency due to JAK3 deficiency. Also called: SCID, autosomal recessive, T-negative/B-positive type; SCID, T CELL-NEGATIVE, B CELL-POSITIVE, NK CELL-NEGATIVE. Identifiers: Orphanet 35078, MedGen C1833275, MONDO:0010938, OMIM 600802.

Allele frequency attached by ClinVar (database versions not stated): TOPMed below 0.00001; gnomAD 0.00001; ExAC 0.00002; gnomAD exomes 0.00002.

Submission:

Labcorp Genetics (formerly Invitae), Labcorp
Classification: Uncertain significance for T-B+ severe combined immunodeficiency due to JAK3 deficiency. Last evaluated: 2021-08-14. Review status: criteria provided, single submitter. Criteria: Invitae Variant Classification Sherloc (09022015). Collection method: clinical testing. Allele origin: germline.
Comment: This sequence change replaces glutamine with arginine at codon 510 of the JAK3 protein (p.Gln510Arg). The glutamine residue is weakly conserved and there is a small physicochemical difference between glutamine and arginine. This variant is present in population databases (rs762398167, ExAC 0.006%). This variant has not been reported in the literature in individuals affected with JAK3-related conditions. Advanced modeling of protein sequence and biophysical properties (such as structural, functional, and spatial information, amino acid conservation, physicochemical variation, residue mobility, and thermodynamic stability) performed at Invitae indicates that this missense variant is not expected to disrupt JAK3 protein function. In summary, the available evidence is currently insufficient to determine the role of this variant in disease. Therefore, it has been classified as a Variant of Uncertain Significance.